The following is an entry in ClinVar:

ClinVar aggregate classification (germline): Uncertain significance (1 of 4 stars; one submission).

Conditions:
Developmental and epileptic encephalopathy, 23 (DEE23). Also called: Epileptic encephalopathy, early infantile, 23. Identifiers: Orphanet 411986, MedGen C4014492, MONDO:0014371, OMIM 615859.

Allele frequency attached by ClinVar (database versions not stated): gnomAD 0.00001; gnomAD exomes 0.00001.
gnomAD v4.1: 5 of 1,613,824 alleles (0.00031%); highest among the groups gnomAD compares: African/African-American, 0.0027%; no homozygotes.

Submission:

Labcorp Genetics (formerly Invitae), Labcorp
Classification: Uncertain significance for Developmental and epileptic encephalopathy, 23. Last evaluated: 2022-04-10. Review status: criteria provided, single submitter. Criteria: Invitae Variant Classification Sherloc (09022015). Collection method: clinical testing. Allele origin: germline.
Comment: This sequence change replaces arginine, which is basic and polar, with glutamine, which is neutral and polar, at codon 463 of the DOCK7 protein (p.Arg463Gln). This variant is present in population databases (no rsID available, gnomAD 0.004%). This variant has not been reported in the literature in individuals affected with DOCK7-related conditions. Algorithms developed to predict the effect of missense changes on protein structure and function are either unavailable or do not agree on the potential impact of this missense change (SIFT: "Tolerated"; PolyPhen-2: "Possibly Damaging"; Align-GVGD: "Class C0"). In summary, the available evidence is currently insufficient to determine the role of this variant in disease. Therefore, it has been classified as a Variant of Uncertain Significance.

NM_001367561.1(DOCK7):c.1388G>A (p.Arg463Gln)

Gene: DOCK7 (dedicator of cytokinesis 7; minus strand). Cytogenetic location: 1p31.3.
Variant type: single nucleotide variant.
Coding change: c.1388G>A on transcript NM_001367561.1 (MANE Select); coding-DNA position 1388, G replaced by A.
Protein change: p.Arg463Gln; replaces arginine 463 with glutamine.
Molecular consequence: missense variant.
Genome position (GRCh38, 1-based): chr1:62,625,296, C>T on the plus strand (G>A on the coding strand, the complement: DOCK7 is on the minus strand). VCF-style: chr1-62625296-C-T. GRCh37 (hg19) VCF-style: chr1-63090967-C-T.
Other names: c.1388G>A, p.Arg463Gln (NM_001271999.2, NM_001272000.2, NM_001272001.2 and 3 more transcripts); short protein forms R463Q.
Identifiers: ClinVar variation 2124166 (VCV002124166.4), dbSNP rs1429013604, ClinGen allele CA340616608.